The following is an entry in ClinVar:

NM_000051.4(ATM):c.1608-7G>A

Gene: ATM (ATM serine/threonine kinase; plus strand). Cytogenetic location: 11q22.3.
Variant type: single nucleotide variant.
Coding change: c.1608-7G>A on transcript NM_000051.4 (MANE Select); 7 bases into the intron before coding-DNA position 1608, G replaced by A.
Molecular consequence: intron variant.
Genome position (GRCh38, 1-based): chr11:108,251,830, G>A. VCF-style: chr11-108251830-G-A. GRCh37 (hg19) VCF-style: chr11-108122557-G-A.
Other names: c.1608-7G>A (NM_001351834.2).
Identifiers: ClinVar variation 490430 (VCV000490430.7), dbSNP rs1555071656, ClinGen allele CA658683712.

ClinVar aggregate classification (germline): Likely benign. Review status: criteria provided, multiple submitters, no conflicts (2 of 4 stars). 3 submissions from 3 submitters: Likely benign (3). Last evaluated 2024-04-30.

Conditions:
Hereditary cancer-predisposing syndrome. Also called: Tumor predisposition; Neoplastic Syndromes, Hereditary; Hereditary Cancer Syndrome; Hereditary neoplastic syndrome. Identifiers: Orphanet 140162, MedGen C0027672, MeSH D009386, MONDO:0015356.
Familial cancer of breast. Also called: BREAST CANCER, FAMILIAL; hereditary breast carcinoma; Hereditary breast cancer. Identifiers: Orphanet 227535, MedGen C0346153, MONDO:0016419, OMIM 114480. Disease mechanism: loss of function.
Ataxia-telangiectasia syndrome (AT). Also called: Ataxia-telangiectasia; Ataxia-telangiectasia, complementation group D; AT, COMPLEMENTATION GROUP C; LOUIS-BAR SYNDROME; Cerebello-oculocutaneous telangiectasia; Immunodeficiency with ataxia telangiectasia. Identifiers: Orphanet 100, MedGen C0004135, MONDO:0008840, OMIM 208900.

Submissions (3):

Myriad Genetics, Inc.
Classification: Likely benign for Familial cancer of breast. Last evaluated: 2024-04-30. Review status: criteria provided, single submitter. Criteria: Myriad Autosomal Dominant, Autosomal Recessive and X-Linked Classification Criteria (2023). Collection method: clinical testing. Allele origin: unknown.
Comment: This variant is considered likely benign. This variant is intronic and is not expected to impact mRNA splicing.

Labcorp Genetics (formerly Invitae), Labcorp
Classification: Likely benign for Ataxia-telangiectasia syndrome. Last evaluated: 2024-01-27. Review status: criteria provided, single submitter. Criteria: Invitae Variant Classification Sherloc (09022015). Collection method: clinical testing. Allele origin: germline.

Color Diagnostics, LLC DBA Color Health
Classification: Likely benign for Hereditary cancer-predisposing syndrome. Last evaluated: 2017-08-23. Review status: criteria provided, single submitter. Criteria: ACMG Guidelines, 2015. Collection method: clinical testing. Allele origin: germline.